The following is an entry in ClinVar:

ClinVar aggregate classification (germline): Conflicting classifications of pathogenicity. Review status: criteria provided, conflicting classifications (1 of 4 stars). 3 submissions from 3 submitters: Uncertain significance (2); Likely benign (1). Last evaluated 2024-06-30.

Conditions:
Inborn genetic diseases. Identifiers: MedGen C0950123, MeSH D030342.

Allele frequency attached by ClinVar (database versions not stated): gnomAD exomes 0.00001 and 0.00005; ExAC 0.00002; gnomAD 0.00015 and 0.00018; TOPMed 0.00020; ESP Exome Variant Server 0.00038.
gnomAD v4.1: 44 of 1,613,262 alleles (0.0027%); highest among the groups gnomAD compares: African/African-American, 0.049%; no homozygotes.

Submissions (3):

Labcorp Genetics (formerly Invitae), Labcorp
Classification: Likely benign. Last evaluated: 2024-06-30. Review status: criteria provided, single submitter. Criteria: Invitae Variant Classification Sherloc (09022015). Collection method: clinical testing. Allele origin: germline.

Ambry Genetics
Classification: Uncertain significance for Inborn genetic diseases. Last evaluated: 2023-01-20. Review status: criteria provided, single submitter. Criteria: Ambry Variant Classification Scheme 2023. Collection method: clinical testing. Allele origin: germline.

GeneDx
Classification: Uncertain significance. Last evaluated: 2019-11-05. Review status: criteria provided, single submitter. Criteria: GeneDx Variant Classification Process June 2021. Collection method: clinical testing. Allele origin: germline. Affected: yes.
Comment: In silico analysis, which includes protein predictors and evolutionary conservation, supports that this variant does not alter protein structure/function; Has not been previously published as pathogenic or benign to our knowledge

NM_021252.5(RAB18):c.148A>G (p.Ile50Val)

Gene: RAB18 (RAB18, member RAS oncogene family; plus strand). Cytogenetic location: 10p12.1.
Variant type: single nucleotide variant.
Coding change: c.148A>G on transcript NM_021252.5 (MANE Select); coding-DNA position 148, A replaced by G.
Protein change: p.Ile50Val; replaces isoleucine 50 with valine.
Molecular consequence: missense variant.
Genome position (GRCh38, 1-based): chr10:27,526,851, A>G. VCF-style: chr10-27526851-A-G. GRCh37 (hg19) VCF-style: chr10-27815780-A-G.
Other names: c.148A>G, p.Ile50Val (NM_001256410.2, NM_001256411.2, NM_001256412.2); c.148A>G (NM_021252.3); short protein forms I50V.
Identifiers: ClinVar variation 1205404 (VCV001205404.12), dbSNP rs148786103, ClinGen allele CA5452252.